The following is an entry in ClinVar:

NM_194248.3(OTOF):c.765+2T>C

Gene: OTOF (otoferlin; minus strand). Cytogenetic location: 2p23.3.
Variant type: single nucleotide variant.
Coding change: c.765+2T>C on transcript NM_194248.3 (MANE Select); the canonical splice donor site of the intron after coding-DNA position 765, T replaced by C.
Molecular consequence: splice donor variant.
Genome position (GRCh38, 1-based): chr2:26,501,752, A>G on the plus strand (T>C on the coding strand, the complement: OTOF is on the minus strand). VCF-style: chr2-26501752-A-G. GRCh37 (hg19) VCF-style: chr2-26724620-A-G.
Other names: c.765+2T>C (NM_001287489.2).
Identifiers: ClinVar variation 2746789 (VCV002746789.3), dbSNP rs2465317683, ClinGen allele CA346138654.

ClinVar aggregate classification (germline): Likely pathogenic (1 of 4 stars; one submission).

Submission:

Labcorp Genetics (formerly Invitae), Labcorp
Classification: Likely pathogenic. Last evaluated: 2023-08-05. Review status: criteria provided, single submitter. Criteria: Invitae Variant Classification Sherloc (09022015). Collection method: clinical testing. Allele origin: germline.
Comment: This sequence change affects a donor splice site in intron 8 of the OTOF gene. It is expected to disrupt RNA splicing. Variants that disrupt the donor or acceptor splice site typically lead to a loss of protein function (PMID: 16199547), and loss-of-function variants in OTOF are known to be pathogenic (PMID: 18381613, 19250381, 22575033). This variant is not present in population databases (gnomAD no frequency). This variant has not been reported in the literature in individuals affected with OTOF-related conditions. Algorithms developed to predict the effect of sequence changes on RNA splicing suggest that this variant may disrupt the consensus splice site. In summary, the currently available evidence indicates that the variant is pathogenic, but additional data are needed to prove that conclusively. Therefore, this variant has been classified as Likely Pathogenic.

Literature cited by the submitters: PubMed 16199547; PubMed 18381613; PubMed 19250381; PubMed 22575033.